The following is an entry in ClinVar:

NM_007055.4(POLR3A):c.2023G>C (p.Glu675Gln)

Gene: POLR3A (RNA polymerase III subunit A; minus strand). Cytogenetic location: 10q22.3.
Variant type: single nucleotide variant.
Coding change: c.2023G>C on transcript NM_007055.4 (MANE Select); coding-DNA position 2023, G replaced by C.
Protein change: p.Glu675Gln; replaces glutamic acid 675 with glutamine.
Molecular consequence: missense variant.
Genome position (GRCh38, 1-based): chr10:78,007,753, C>G on the plus strand (G>C on the coding strand, the complement: POLR3A is on the minus strand). VCF-style: chr10-78007753-C-G. GRCh37 (hg19) VCF-style: chr10-79767511-C-G.
Other names: short protein forms E675Q.
Identifiers: ClinVar variation 2051503 (VCV002051503.4), dbSNP rs2493217247, ClinGen allele CA377339759.

ClinVar aggregate classification (germline): Uncertain significance (1 of 4 stars; one submission).

Submission:

Labcorp Genetics (formerly Invitae), Labcorp
Classification: Uncertain significance. Last evaluated: 2024-02-24. Review status: criteria provided, single submitter. Criteria: Invitae Variant Classification Sherloc (09022015). Collection method: clinical testing. Allele origin: germline.
Comment: This sequence change replaces glutamic acid, which is acidic and polar, with glutamine, which is neutral and polar, at codon 675 of the POLR3A protein (p.Glu675Gln). This variant is not present in population databases (gnomAD no frequency). This variant has not been reported in the literature in individuals affected with POLR3A-related conditions. ClinVar contains an entry for this variant (Variation ID: 2051503). Advanced modeling of protein sequence and biophysical properties (such as structural, functional, and spatial information, amino acid conservation, physicochemical variation, residue mobility, and thermodynamic stability) performed at Invitae indicates that this missense variant is not expected to disrupt POLR3A protein function with a negative predictive value of 80%. In summary, the available evidence is currently insufficient to determine the role of this variant in disease. Therefore, it has been classified as a Variant of Uncertain Significance.